The following is an entry in ClinVar:

ClinVar aggregate classification (germline): Uncertain significance. Review status: criteria provided, multiple submitters, no conflicts (2 of 4 stars). 2 submissions from 2 submitters: Uncertain significance (2). Last evaluated 2024-08-20.

Conditions:
Nemaline myopathy 2 (NEM2). Also called: Nemaline myopathy 2, autosomal recessive. Identifiers: MedGen C1850569, MONDO:0009725, OMIM 256030.
Inborn genetic diseases. Identifiers: MedGen C0950123, MeSH D030342.

gnomAD v4.1: 17 of 1,610,404 alleles (0.0011%); highest among the groups gnomAD compares: Non-Finnish European, 0.0014%; no homozygotes.

Submissions (2):

Ambry Genetics
Classification: Uncertain significance for Inborn genetic diseases. Last evaluated: 2024-08-20. Review status: criteria provided, single submitter. Criteria: Ambry Variant Classification Scheme 2023. Collection method: clinical testing. Allele origin: germline.

Labcorp Genetics (formerly Invitae), Labcorp
Classification: Uncertain significance for Nemaline myopathy 2. Last evaluated: 2022-06-04. Review status: criteria provided, single submitter. Criteria: Invitae Variant Classification Sherloc (09022015). Collection method: clinical testing. Allele origin: germline.
Comment: This sequence change replaces arginine, which is basic and polar, with leucine, which is neutral and non-polar, at codon 6575 of the NEB protein (p.Arg6575Leu). This variant is not present in population databases (gnomAD no frequency). This variant has not been reported in the literature in individuals affected with NEB-related conditions. ClinVar contains an entry for this variant (Variation ID: 465525). Algorithms developed to predict the effect of missense changes on protein structure and function are either unavailable or do not agree on the potential impact of this missense change (SIFT: "Deleterious"; PolyPhen-2: "Not Available"; Align-GVGD: "Class C0"). In summary, the available evidence is currently insufficient to determine the role of this variant in disease. Therefore, it has been classified as a Variant of Uncertain Significance.

NM_001164508.2(NEB):c.19724G>T (p.Arg6575Leu)

Gene: NEB (nebulin; minus strand). Cytogenetic location: 2q23.3.
Variant type: single nucleotide variant.
Coding change: c.19724G>T on transcript NM_001164508.2 (MANE Select); coding-DNA position 19724, G replaced by T.
Protein change: p.Arg6575Leu; replaces arginine 6575 with leucine.
Molecular consequence: missense variant.
Genome position (GRCh38, 1-based): chr2:151,553,405, C>A on the plus strand (G>T on the coding strand, the complement: NEB is on the minus strand). VCF-style: chr2-151553405-C-A. GRCh37 (hg19) VCF-style: chr2-152409919-C-A.
Other names: c.19724G>T, p.Arg6575Leu (NM_001164507.2, NM_001271208.2); c.14621G>T, p.Arg4874Leu (NM_004543.5); c.14621G>T (NM_004543.4); short protein forms R6575L, R4874L.
Identifiers: ClinVar variation 465525 (VCV000465525.8), dbSNP rs185999504, ClinGen allele CA348788425.